The following is an entry in ClinVar:

ClinVar aggregate classification (germline): Uncertain significance (1 of 4 stars; one submission).

Conditions:
Hereditary hyperekplexia. Identifiers: Orphanet 3197, MedGen C4084968, MONDO:0021022.

Allele frequency attached by ClinVar (database versions not stated): gnomAD exomes below 0.00001; TOPMed below 0.00001.
gnomAD v4.1: 1 of 1,613,628 alleles (0.000062%); highest among the groups gnomAD compares: Non-Finnish European, 0.000085%; no homozygotes.

Submission:

Labcorp Genetics (formerly Invitae), Labcorp
Classification: Uncertain significance for Hereditary hyperekplexia. Last evaluated: 2022-11-14. Review status: criteria provided, single submitter. Criteria: Invitae Variant Classification Sherloc (09022015). Collection method: clinical testing. Allele origin: germline.
Comment: In summary, the available evidence is currently insufficient to determine the role of this variant in disease. Therefore, it has been classified as a Variant of Uncertain Significance. Variants that disrupt the consensus splice site are a relatively common cause of aberrant splicing (PMID: 17576681, 9536098). Algorithms developed to predict the effect of sequence changes on RNA splicing suggest that this variant is not likely to affect RNA splicing. This variant has not been reported in the literature in individuals affected with GLRA1-related conditions. This variant is not present in population databases (gnomAD no frequency). This sequence change falls in intron 2 of the GLRA1 gene. It does not directly change the encoded amino acid sequence of the GLRA1 protein. It affects a nucleotide within the consensus splice site.

Literature cited by the submitters: PubMed 17576681; PubMed 9536098.

NM_000171.4(GLRA1):c.184+6G>C

Gene: GLRA1 (glycine receptor alpha 1; minus strand). Cytogenetic location: 5q33.1.
Variant type: single nucleotide variant.
Coding change: c.184+6G>C on transcript NM_000171.4 (MANE Select); 6 bases into the intron after coding-DNA position 184, G replaced by C.
Molecular consequence: intron variant.
Genome position (GRCh38, 1-based): chr5:151,892,305, C>G on the plus strand (G>C on the coding strand, the complement: GLRA1 is on the minus strand). VCF-style: chr5-151892305-C-G. GRCh37 (hg19) VCF-style: chr5-151271866-C-G.
Other names: c.-65-5517G>C (NM_001292000.2); c.184+6G>C (NM_001146040.2).
Identifiers: ClinVar variation 2861881 (VCV002861881.3), dbSNP rs1754097765, ClinGen allele CA1591596198.
Genomic context (GRCh38, chr5:151,892,305, plus strand): 5'-ATGCTGCTTGCTGCTTTAATCTGGGAAAGCATTTCCCTGTGGGTCTGGAAGGAATATTTT[C>G]TCTACCTTTAAAATTGGGCCTGATCCTGGCATCATATCCGGAGGTTCTCCCCATTAGCTT-3'